The following is an entry in ClinVar:

ClinVar aggregate classification (germline): Uncertain significance (1 of 4 stars; one submission).

Conditions:
Familial thoracic aortic aneurysm and aortic dissection (TAAD). Also called: Thoracic aortic aneurysms and dissections. Identifiers: Orphanet 91387, MedGen C4707243, MONDO:0019625.

gnomAD v4.1: 1 of 1,614,162 alleles (0.000062%); highest among the groups gnomAD compares: Non-Finnish European, 0.000085%; no homozygotes.

Submission:

Ambry Genetics
Classification: Uncertain significance for Familial thoracic aortic aneurysm and aortic dissection. Last evaluated: 2022-11-19. Review status: criteria provided, single submitter. Criteria: Ambry Variant Classification Scheme 2023. Collection method: clinical testing. Allele origin: germline.
Comment: The p.E1290Q variant (also known as c.3868G>C), located in coding exon 20 of the MYLK gene, results from a G to C substitution at nucleotide position 3868. The glutamic acid at codon 1290 is replaced by glutamine, an amino acid with highly similar properties. This amino acid position is conserved. In addition, this alteration is predicted to be tolerated by in silico analysis. Since supporting evidence is limited at this time, the clinical significance of this alteration remains unclear.

NM_053025.4(MYLK):c.3868G>C (p.Glu1290Gln)

Gene: MYLK (myosin light chain kinase; minus strand). Cytogenetic location: 3q21.1.
Variant type: single nucleotide variant.
Coding change: c.3868G>C on transcript NM_053025.4 (MANE Select); coding-DNA position 3868, G replaced by C.
Protein change: p.Glu1290Gln; replaces glutamic acid 1290 with glutamine.
Molecular consequence: missense variant.
Genome position (GRCh38, 1-based): chr3:123,664,222, C>G on the plus strand (G>C on the coding strand, the complement: MYLK is on the minus strand). VCF-style: chr3-123664222-C-G. GRCh37 (hg19) VCF-style: chr3-123383069-C-G.
Other names: c.3340G>C, p.Glu1114Gln (NM_001321309.2); c.3661G>C, p.Glu1221Gln (NM_053026.4, NM_053028.4); c.3868G>C, p.Glu1290Gln (NM_053027.4); short protein forms E1221Q, E1114Q, E1290Q.
Identifiers: ClinVar variation 2452949 (VCV002452949.2), dbSNP rs145953933, ClinGen allele CA354229413.